The following is an entry in ClinVar:

NM_198578.4(LRRK2):c.539G>T (p.Gly180Val)

Gene: LRRK2 (leucine rich repeat kinase 2; plus strand). Cytogenetic location: 12q12.
Variant type: single nucleotide variant.
Coding change: c.539G>T on transcript NM_198578.4 (MANE Select); coding-DNA position 539, G replaced by T.
Protein change: p.Gly180Val; replaces glycine 180 with valine.
Molecular consequence: missense variant.
Genome position (GRCh38, 1-based): chr12:40,238,071, G>T. VCF-style: chr12-40238071-G-T. GRCh37 (hg19) VCF-style: chr12-40631873-G-T.
Other names: short protein forms G180V.
Identifiers: ClinVar variation 1747277 (VCV001747277.2), dbSNP rs199807643, ClinGen allele CA384404190.
Genomic context (GRCh38, chr12:40,238,071, plus strand): 5'-TCATGTTAATTTTTGATGCCATGCACTCATTTCCAGCCAATGATGAAGTCCAGAAACTTG[G>T]ATGCAAAGCTTTACATGTGCTGTTTGAGAGAGGTATTTTAAAATGTCAAATTCCTTAAAG-3'
Protein context (NP_940980.4, residues 170-190): FPANDEVQKL[Gly180Val]CKALHVLFER

ClinVar aggregate classification (germline): Uncertain significance (1 of 4 stars; one submission).

Conditions:
Inborn genetic diseases. Identifiers: MedGen C0950123, MeSH D030342.

Submission:

Ambry Genetics
Classification: Uncertain significance for Inborn genetic diseases. Last evaluated: 2022-01-15. Review status: criteria provided, single submitter. Criteria: Ambry Variant Classification Scheme 2023. Collection method: clinical testing. Allele origin: germline.
Comment: The p.G180V variant (also known as c.539G>T), located in coding exon 5 of the LRRK2 gene, results from a G to T substitution at nucleotide position 539. The glycine at codon 180 is replaced by valine, an amino acid with dissimilar properties. This amino acid position is conserved. In addition, the in silico prediction for this alteration is inconclusive. Since supporting evidence is limited at this time, the clinical significance of this alteration remains unclear.